The following is an entry in ClinVar:

NM_014991.6(WDFY3):c.9181C>A (p.Leu3061Met)

Genes: WDFY3 (WD repeat and FYVE domain containing 3; minus strand), LOC126807101 (CDK7 strongly-dependent group 2 enhancer GRCh37_chr4:85612241-85613440; plus strand). Cytogenetic location: 4q21.23.
Variant type: single nucleotide variant.
Coding change: c.9181C>A on transcript NM_014991.6 (MANE Select); coding-DNA position 9181, C replaced by A.
Protein change: p.Leu3061Met; replaces leucine 3061 with methionine.
Molecular consequence: missense variant.
Genome position (GRCh38, 1-based): chr4:84,691,654, G>T on the plus strand (C>A on the coding strand, the complement: WDFY3 is on the minus strand). VCF-style: chr4-84691654-G-T. GRCh37 (hg19) VCF-style: chr4-85612807-G-T.
Other names: short protein forms L3061M.
Identifiers: ClinVar variation 3368144 (VCV003368144.1).

ClinVar aggregate classification (germline): Uncertain significance (1 of 4 stars; one submission).

Submission:

GeneDx
Classification: Uncertain significance. Last evaluated: 2024-01-21. Review status: criteria provided, single submitter. Criteria: GeneDx Variant Classification Process June 2021. Collection method: clinical testing. Allele origin: germline. Affected: yes.
Comment: Has not been previously published as pathogenic or benign to our knowledge; Not observed at significant frequency in large population cohorts (gnomAD); In silico analysis supports that this missense variant does not alter protein structure/function